The following is an entry in ClinVar:

ClinVar aggregate classification (germline): Uncertain significance (1 of 4 stars; one submission).

Submission:

Labcorp Genetics (formerly Invitae), Labcorp
Classification: Uncertain significance. Last evaluated: 2022-03-07. Review status: criteria provided, single submitter. Criteria: Invitae Variant Classification Sherloc (09022015). Collection method: clinical testing. Allele origin: germline.
Comment: This variant has not been reported in the literature in individuals affected with REL-related conditions. In summary, the available evidence is currently insufficient to determine the role of this variant in disease. Therefore, it has been classified as a Variant of Uncertain Significance. Experimental studies and prediction algorithms are not available or were not evaluated, and the effect of this variant on mRNA splicing is currently unknown. Information on the frequency of this variant in the gnomAD database is not available, as this variant may be reported differently in the database. This sequence change falls in intron 7 of the REL gene. It does not directly change the encoded amino acid sequence of the REL protein.

NM_001291746.2(REL):c.853+19_853+20delinsGG

Gene: REL (REL proto-oncogene, NF-kB subunit; plus strand). Cytogenetic location: 2p16.1.
Variant type: Indel.
Coding change: c.853+19_853+20delinsGG on transcript NM_001291746.2 (MANE Select); bases 19 to 20 of the intron after coding-DNA position 853, AA replaced by GG.
Molecular consequence: intron variant.
Genome position (GRCh38, 1-based): chr2:60,918,625-60,918,626, AA replaced by GG. VCF-style: chr2-60918625-AA-GG. GRCh37 (hg19) VCF-style: chr2-61145760-AA-GG.
Other names: c.853+19_853+20delinsGG (NM_002908.4).
Identifiers: ClinVar variation 2107454 (VCV002107454.4), dbSNP rs2466280973, ClinGen allele CA2580067561.